The following is an entry in ClinVar:

NM_000080.4(CHRNE):c.1341G>A (p.Trp447Ter)

Gene: CHRNE (cholinergic receptor nicotinic epsilon subunit; minus strand). Cytogenetic location: 17p13.2.
Variant type: single nucleotide variant.
Coding change: c.1341G>A on transcript NM_000080.4 (MANE Select); coding-DNA position 1341, G replaced by A.
Protein change: p.Trp447Ter; replaces tryptophan 447 with a stop codon.
Molecular consequence: nonsense.
Genome position (GRCh38, 1-based): chr17:4,898,877, C>T on the plus strand (G>A on the coding strand, the complement: CHRNE is on the minus strand). VCF-style: chr17-4898877-C-T. GRCh37 (hg19) VCF-style: chr17-4802172-C-T.
Other names: c.1341G>A (NM_000080.3); short protein forms W447*.
Identifiers: ClinVar variation 1382329 (VCV001382329.7), dbSNP rs918839874, ClinGen allele CA397297920.
Genomic context (GRCh38, chr17:4,898,877, plus strand): 5'-GCTGAAGAGCACCAGAGCGGCCCAGAAGCAGATGTTGTCAAGGGCATTCCCCATGCGCAC[C>T]CAGTCGGACACTTCCTGGGGAAGGGTCGGCACAGTCAGTAAAGAGGCAGCTGCAGGAGCC-3'

ClinVar aggregate classification (germline): Pathogenic/Likely pathogenic. Review status: criteria provided, multiple submitters, no conflicts (2 of 4 stars). 3 submissions from 3 submitters: Pathogenic (2); Likely pathogenic (1). Last evaluated 2026-01-21.

Conditions:
Congenital myasthenic syndrome 4A. Also called: CONGENITAL MYASTHENIC SYNDROME TYPE Ia1; Myasthenic syndrome, congenital, 4a, slow-channel; MYASTHENIC SYNDROME, CONGENITAL, 4A, SLOW-CHANNEL, AUTOSOMAL RECESSIVE. Identifiers: Orphanet 590, MedGen C4225413, MONDO:0011600, OMIM 605809.
CHRNE-related disorder. Also called: CHRNE-related condition.

Allele frequency attached by ClinVar (database versions not stated): TOPMed below 0.00001; gnomAD exomes 0.00001.
gnomAD v4.1: 19 of 1,582,382 alleles (0.0012%); highest among the groups gnomAD compares: Non-Finnish European, 0.0016%; no homozygotes.

Submissions (3):

Labcorp Genetics (formerly Invitae), Labcorp
Classification: Pathogenic for Congenital myasthenic syndrome 4A. Last evaluated: 2026-01-21. Review status: criteria provided, single submitter. Criteria: Invitae Variant Classification Sherloc (09022015). Collection method: clinical testing. Allele origin: germline.
Comment: This sequence change creates a premature translational stop signal (p.Trp447*) in the CHRNE gene. While this is not anticipated to result in nonsense mediated decay, it is expected to disrupt the last 47 amino acid(s) of the CHRNE protein. This variant is not present in population databases (gnomAD no frequency). This variant has not been reported in the literature in individuals affected with CHRNE-related conditions. ClinVar contains an entry for this variant (Variation ID: 1382329). This variant disrupts a region of the CHRNE protein in which other variant(s) (p.Trp460*) have been determined to be pathogenic (internal data). This suggests that this is a clinically significant region of the protein, and that variants that disrupt it are likely to be disease-causing. For these reasons, this variant has been classified as Pathogenic.

Baylor Genetics
Classification: Likely pathogenic for Congenital myasthenic syndrome 4A. Last evaluated: 2023-07-07. Review status: criteria provided, single submitter. Criteria: ACMG Guidelines, 2015. Collection method: clinical testing. Allele origin: unknown.

PreventionGenetics, part of Exact Sciences
Classification: Pathogenic for CHRNE-related condition. Last evaluated: 2023-06-06. Review status: criteria provided, single submitter. Criteria: ACMG Guidelines, 2015. Collection method: clinical testing. Allele origin: germline.
Comment: The CHRNE c.1341G>A variant is predicted to result in premature protein termination (p.Trp447*). To our knowledge, this variant has not been reported in the literature or in a large population database, indicating this variant is rare. Nonsense variants in CHRNE are expected to be pathogenic. This variant is interpreted as pathogenic.